The following is an entry in ClinVar:

NM_004370.6(COL12A1):c.1897G>A (p.Val633Ile)

Gene: COL12A1 (collagen type XII alpha 1 chain; minus strand). Cytogenetic location: 6q13.
Variant type: single nucleotide variant.
Coding change: c.1897G>A on transcript NM_004370.6 (MANE Select); coding-DNA position 1897, G replaced by A.
Protein change: p.Val633Ile; replaces valine 633 with isoleucine.
Molecular consequence: missense variant. On other transcripts: intron variant (1).
Genome position (GRCh38, 1-based): chr6:75,181,206, C>T on the plus strand (G>A on the coding strand, the complement: COL12A1 is on the minus strand). VCF-style: chr6-75181206-C-T. GRCh37 (hg19) VCF-style: chr6-75890922-C-T.
Other names: c.73+21514G>A (NM_080645.3); short protein forms V633I.
Identifiers: ClinVar variation 1702595 (VCV001702595.15), dbSNP rs200315815, ClinGen allele CA3894094.

ClinVar aggregate classification (germline): Uncertain significance. Review status: criteria provided, multiple submitters, no conflicts (2 of 4 stars). 7 submissions from 7 submitters: Uncertain significance (7). Last evaluated 2025-12-15.

Conditions:
Ullrich congenital muscular dystrophy 2 (UCMD2). Identifiers: Orphanet 75840, MedGen C4225314, MONDO:0014654, OMIM 616470.
Bethlem myopathy 2 (BTHLM2). Identifiers: Orphanet 536516, Orphanet 610, MedGen C4225313, MONDO:0034022, OMIM 616471.
COL12A1-related disorder. Also called: COL12A1-related condition.
Inborn genetic diseases. Identifiers: MedGen C0950123, MeSH D030342.

Submissions (7):

Labcorp Genetics (formerly Invitae), Labcorp
Classification: Uncertain significance for Bethlem myopathy 2; Ullrich congenital muscular dystrophy 2. Last evaluated: 2025-12-15. Review status: criteria provided, single submitter. Criteria: Invitae Variant Classification Sherloc (09022015). Collection method: clinical testing. Allele origin: germline.
Comment: This sequence change replaces valine, which is neutral and non-polar, with isoleucine, which is neutral and non-polar, at codon 633 of the COL12A1 protein (p.Val633Ile). The frequency data for this variant in the population databases is considered unreliable, as metrics indicate poor data quality at this position in the gnomAD database. This variant has not been reported in the literature in individuals affected with COL12A1-related conditions. ClinVar contains an entry for this variant (Variation ID: 1702595). Invitae Evidence Modeling of protein sequence and biophysical properties (such as structural, functional, and spatial information, amino acid conservation, physicochemical variation, residue mobility, and thermodynamic stability) indicates that this missense variant is not expected to disrupt COL12A1 protein function with a negative predictive value of 80%. In summary, the available evidence is currently insufficient to determine the role of this variant in disease. Therefore, it has been classified as a Variant of Uncertain Significance.

PreventionGenetics, part of Exact Sciences
Classification: Uncertain significance for COL12A1-related condition. Last evaluated: 2025-04-21. Review status: criteria provided, single submitter. Criteria: ACMG Guidelines, 2015. Collection method: clinical testing. Allele origin: germline.
Comment: The COL12A1 c.1897G>A variant is predicted to result in the amino acid substitution p.Val633Ile. To our knowledge, this variant has not been reported in the literature. This variant is reported in 0.044% of alleles in individuals of East Asian descent in gnomAD. At this time, the clinical significance of this variant is uncertain due to the absence of conclusive functional and genetic evidence.

Women's Health and Genetics/Laboratory Corporation of America, LabCorp
Classification: Uncertain significance. Last evaluated: 2024-11-19. Review status: criteria provided, single submitter. Criteria: LabCorp Variant Classification Summary - May 2015. Collection method: clinical testing. Allele origin: germline.
Comment: Variant summary: COL12A1 c.1897G>A (p.Val633Ile) results in a conservative amino acid change located in the Fibronectin type 3 domain (IPR003961) of the encoded protein sequence. Four of five in-silico tools predict a benign effect of the variant on protein function. The variant allele was found at a frequency of 6.1e-05 in 196792 control chromosomes. This frequency is not significantly higher than estimated for a pathogenic variant in COL12A1 causing Ullrich congenital muscular dystrophy 2 (6.1e-05 vs 0.0035), allowing no conclusion about variant significance. To our knowledge, no occurrence of c.1897G>A in individuals affected with Ullrich congenital muscular dystrophy 2 and no experimental evidence demonstrating its impact on protein function have been reported. ClinVar contains an entry for this variant (Variation ID: 1702595). Based on the evidence outlined above, the variant was classified as uncertain significance.

Fulgent Genetics
Classification: Uncertain significance for Ullrich congenital muscular dystrophy 2; Bethlem myopathy 2. Last evaluated: 2024-05-23. Review status: criteria provided, single submitter. Criteria: ACMG Guidelines, 2015. Collection method: clinical testing. Allele origin: germline.

Ambry Genetics
Classification: Uncertain significance for Inborn genetic diseases. Last evaluated: 2023-03-22. Review status: criteria provided, single submitter. Criteria: Ambry Variant Classification Scheme 2023. Collection method: clinical testing. Allele origin: germline.

GeneDx
Classification: Uncertain significance. Last evaluated: 2022-02-17. Review status: criteria provided, single submitter. Criteria: GeneDx Variant Classification Process June 2021. Collection method: clinical testing. Allele origin: germline. Affected: yes.
Comment: Has not been previously published as pathogenic or benign to our knowledge; In silico analysis supports that this missense variant does not alter protein structure/function

Revvity Omics, Revvity
Classification: Uncertain significance. Last evaluated: 2019-12-09. Review status: criteria provided, single submitter. Criteria: ACMG Guidelines, 2015. Collection method: clinical testing. Allele origin: germline.